The following is an entry in ClinVar:

NM_001567.4(INPPL1):c.2013T>A (p.Tyr671Ter)

Gene: INPPL1 (inositol polyphosphate phosphatase like 1; plus strand). Cytogenetic location: 11q13.4.
Variant type: single nucleotide variant.
Coding change: c.2013T>A on transcript NM_001567.4 (MANE Select); coding-DNA position 2013, T replaced by A.
Protein change: p.Tyr671Ter; replaces tyrosine 671 with a stop codon.
Molecular consequence: nonsense.
Genome position (GRCh38, 1-based): chr11:72,233,136, T>A. VCF-style: chr11-72233136-T-A. GRCh37 (hg19) VCF-style: chr11-71944180-T-A.
Other names: c.2079T>A, p.Tyr693Ter (NM_001440434.1); c.2013T>A, p.Tyr671Ter (NM_001440435.1, NM_001440436.1, NM_001440438.1); c.1872T>A, p.Tyr624Ter (NM_001440437.1); short protein forms Y624*, Y671*, Y693*.
Identifiers: ClinVar variation 4854109 (VCV004854109.1).

ClinVar aggregate classification (germline): Likely pathogenic (1 of 4 stars; one submission).

Conditions:
Opsismodysplasia (OPSMD). Also called: INPPL1-Related Opsismodysplasia. Identifiers: Orphanet 2746, MedGen C0432219, MONDO:0009785, OMIM 258480.

gnomAD v4.1: 1 of 1,613,988 alleles (0.000062%); highest among the groups gnomAD compares: Non-Finnish European, 0.000085%; no homozygotes.

Submission:

3billion
Classification: Likely pathogenic for Opsismodysplasia. Last evaluated: 2025-08-30. Review status: criteria provided, single submitter. Criteria: ACMG Guidelines, 2015. Collection method: clinical testing. Allele origin: germline. Affected: yes.
Comment: The variant is observed at an extremely low frequency in the gnomAD v4.1.0 dataset (total allele frequency: <0.001%). Predicted Consequence/Location: Stop-gained (nonsense): predicted to result in a loss or disruption of normal protein function through nonsense-mediated decay (NMD) or protein truncation. Multiple pathogenic variants are reported downstream of the variant. Therefore, this variant is classified as Likely pathogenic according to the recommendation of ACMG/AMP guideline.